The following is an entry in ClinVar:

ClinVar aggregate classification (germline): Uncertain significance. Review status: criteria provided, multiple submitters, no conflicts (2 of 4 stars). 2 submissions from 2 submitters: Uncertain significance (2). Last evaluated 2025-05-03.

gnomAD v4.1: 9 of 1,613,278 alleles (0.00056%); highest among the groups gnomAD compares: African/African-American, 0.0013%; no homozygotes.

Submissions (2):

Labcorp Genetics (formerly Invitae), Labcorp
Classification: Uncertain significance. Last evaluated: 2025-05-03. Review status: criteria provided, single submitter. Criteria: Invitae Variant Classification Sherloc (09022015). Collection method: clinical testing. Allele origin: germline.
Comment: This sequence change replaces alanine, which is neutral and non-polar, with threonine, which is neutral and polar, at codon 186 of the ANKRD26 protein (p.Ala186Thr). This variant is present in population databases (rs767744358, gnomAD 0.003%). This variant has not been reported in the literature in individuals affected with ANKRD26-related conditions. ClinVar contains an entry for this variant (Variation ID: 2505615). An algorithm developed to predict the effect of missense changes on protein structure and function (PolyPhen-2) suggests that this variant is likely to be disruptive. In summary, the available evidence is currently insufficient to determine the role of this variant in disease. Therefore, it has been classified as a Variant of Uncertain Significance.

GeneDx
Classification: Uncertain significance. Last evaluated: 2022-12-19. Review status: criteria provided, single submitter. Criteria: GeneDx Variant Classification Process June 2021. Collection method: clinical testing. Allele origin: germline. Affected: yes.
Comment: Not observed at significant frequency in large population cohorts (gnomAD); In silico analysis supports that this missense variant has a deleterious effect on protein structure/function; Has not been previously published as pathogenic or benign to our knowledge; In silico analysis suggests this variant may impact gene splicing. In the absence of RNA/functional studies, the actual effect of this sequence change is unknown.

NM_014915.3(ANKRD26):c.556G>A (p.Ala186Thr)

Gene: ANKRD26 (ankyrin repeat domain 26; minus strand). Cytogenetic location: 10p12.1.
Variant type: single nucleotide variant.
Coding change: c.556G>A on transcript NM_014915.3 (MANE Select); coding-DNA position 556, G replaced by A.
Protein change: p.Ala186Thr; replaces alanine 186 with threonine.
Molecular consequence: missense variant.
Genome position (GRCh38, 1-based): chr10:27,092,488, C>T on the plus strand (G>A on the coding strand, the complement: ANKRD26 is on the minus strand). VCF-style: chr10-27092488-C-T. GRCh37 (hg19) VCF-style: chr10-27381417-C-T.
Other names: c.556G>A, p.Ala186Thr (NM_001256053.2); short protein forms A186T.
Identifiers: ClinVar variation 2505615 (VCV002505615.4), dbSNP rs767744358, ClinGen allele CA5448889.